The following is an entry in ClinVar:

NM_001244008.2(KIF1A):c.2860G>A (p.Ala954Thr)

Gene: KIF1A (kinesin family member 1A; minus strand). Cytogenetic location: 2q37.3.
Variant type: single nucleotide variant.
Coding change: c.2860G>A on transcript NM_001244008.2 (MANE Select); coding-DNA position 2860, G replaced by A.
Protein change: p.Ala954Thr; replaces alanine 954 with threonine.
Molecular consequence: missense variant.
Genome position (GRCh38, 1-based): chr2:240,750,546, C>T on the plus strand (G>A on the coding strand, the complement: KIF1A is on the minus strand). VCF-style: chr2-240750546-C-T. GRCh37 (hg19) VCF-style: chr2-241689963-C-T.
Other names: c.2584G>A, p.Ala862Thr (NM_001320705.2, NM_001330289.2, NM_001379638.1); c.2659G>A, p.Ala887Thr (NM_001330290.2, NM_001379634.1, NM_001379635.1 and 1 more transcripts); c.2935G>A, p.Ala979Thr (NM_001379631.1); c.2809G>A, p.Ala937Thr (NM_001379632.1); c.2833G>A, p.Ala945Thr (NM_001379633.1, NM_001379642.1, NM_001379645.1); c.2557G>A, p.Ala853Thr (NM_001379636.1, NM_001379639.1, NM_001379640.1 and 6 more transcripts); c.2632G>A, p.Ala878Thr (NM_001379637.1, NM_001379648.1); short protein forms A887T, A945T, A954T, A853T, A862T, A878T, A937T, A979T.
Identifiers: ClinVar variation 4786089 (VCV004786089.1).

ClinVar aggregate classification (germline): Uncertain significance (1 of 4 stars; one submission).

Conditions:
Neuropathy, hereditary sensory, type 2C. Also called: KIF1A-Related HSAN2 (HSAN2C); Hereditary sensory and autonomic neuropathy type IIC. Identifiers: Orphanet 970, MedGen C3280168, MONDO:0013634, OMIM 614213.
Hereditary spastic paraplegia 30. Identifiers: Orphanet 101010, MedGen C5235139, MONDO:0012476.
Intellectual disability, autosomal dominant 9 (NESCAVS). Also called: KIF1A-Related Neurodevelopmental Disorder; NESCAV SYNDROME. Identifiers: Orphanet 662367, MedGen C5393830, MONDO:0013656, OMIM 614255.

Submission:

Labcorp Genetics (formerly Invitae), Labcorp
Classification: Uncertain significance for Hereditary spastic paraplegia 30; Neuropathy, hereditary sensory, type 2C; Intellectual disability, autosomal dominant 9. Last evaluated: 2025-10-29. Review status: criteria provided, single submitter. Criteria: Invitae Variant Classification Sherloc (09022015). Collection method: clinical testing. Allele origin: germline.
Comment: This sequence change replaces alanine, which is neutral and non-polar, with threonine, which is neutral and polar, at codon 853 of the KIF1A protein (p.Ala853Thr). This variant is not present in population databases (gnomAD no frequency). This variant has not been reported in the literature in individuals affected with KIF1A-related conditions. An algorithm developed to predict the effect of missense changes on protein structure and function (PolyPhen-2) suggests that this variant is likely to be disruptive. In summary, the available evidence is currently insufficient to determine the role of this variant in disease. Therefore, it has been classified as a Variant of Uncertain Significance.